The following is an entry in ClinVar:

NM_004336.5(BUB1):c.148G>A (p.Glu50Lys)

Gene: BUB1 (BUB1 mitotic checkpoint serine/threonine kinase; minus strand). Cytogenetic location: 2q13.
Variant type: single nucleotide variant.
Coding change: c.148G>A on transcript NM_004336.5 (MANE Select); coding-DNA position 148, G replaced by A.
Protein change: p.Glu50Lys; replaces glutamic acid 50 with lysine.
Molecular consequence: missense variant.
Genome position (GRCh38, 1-based): chr2:110,674,163, C>T on the plus strand (G>A on the coding strand, the complement: BUB1 is on the minus strand). VCF-style: chr2-110674163-C-T. GRCh37 (hg19) VCF-style: chr2-111431740-C-T.
Other names: c.88G>A, p.Glu30Lys (NM_001278616.2); c.148G>A, p.Glu50Lys (NM_001278617.2); short protein forms E30K, E50K.
Identifiers: ClinVar variation 1773747 (VCV001773747.2), dbSNP rs143906507, ClinGen allele CA1828444.

ClinVar aggregate classification (germline): Uncertain significance (1 of 4 stars; one submission).

Allele frequency attached by ClinVar (database versions not stated): ExAC 0.00001; TOPMed 0.00001; gnomAD 0.00002; ESP Exome Variant Server 0.00008.
gnomAD v4.1: 3 of 1,588,538 alleles (0.00019%); highest among the groups gnomAD compares: African/African-American, 0.004%; no homozygotes.

Submission:

Ambry Genetics
Classification: Uncertain significance. Last evaluated: 2024-03-03. Review status: criteria provided, single submitter. Criteria: Ambry Variant Classification Scheme 2023. Collection method: clinical testing. Allele origin: germline.
Comment: The p.E50K variant (also known as c.148G>A), located in coding exon 3 of the BUB1 gene, results from a G to A substitution at nucleotide position 148. The glutamic acid at codon 50 is replaced by lysine, an amino acid with similar properties. This amino acid position is conserved. In addition, the in silico prediction for this alteration is inconclusive. Since supporting evidence is limited at this time, the clinical significance of this alteration remains unclear.